The following is an entry in ClinVar:

NM_000368.5(TSC1):c.2291T>A (p.Leu764His)

Gene: TSC1 (TSC complex subunit 1; minus strand). Cytogenetic location: 9q34.13.
Variant type: single nucleotide variant.
Coding change: c.2291T>A on transcript NM_000368.5 (MANE Select); coding-DNA position 2291, T replaced by A.
Protein change: p.Leu764His; replaces leucine 764 with histidine.
Molecular consequence: missense variant. On other transcripts: non-coding transcript variant (5).
Genome position (GRCh38, 1-based): chr9:132,902,705, A>T on the plus strand (T>A on the coding strand, the complement: TSC1 is on the minus strand). VCF-style: chr9-132902705-A-T. GRCh37 (hg19) VCF-style: chr9-135778092-A-T.
Other names: c.2288T>A, p.Leu763His (NM_001162426.2, NM_001406597.1, NM_001406598.1 and 4 more transcripts); c.2138T>A, p.Leu713His (NM_001162427.2, NM_001406610.1); c.1928T>A, p.Leu643His (NM_001362177.2, NM_001406614.1, NM_001406615.1 and 5 more transcripts); c.2291T>A, p.Leu764His (NM_001406592.1, NM_001406593.1, NM_001406594.1 and 5 more transcripts); c.2276T>A, p.Leu759His (NM_001406601.1, NM_001406602.1); c.2273T>A, p.Leu758His (NM_001406603.1, NM_001406604.1); c.2135T>A, p.Leu712His (NM_001406611.1, NM_001406612.1, NM_001406613.1); c.1925T>A, p.Leu642His (NM_001406620.1, NM_001406621.1, NM_001406622.1 and 2 more transcripts); and 3 more; short protein forms L713H, L758H, L764H, L446H, L763H, L447H, L643H, L413H.
Identifiers: ClinVar variation 2473778 (VCV002473778.2), dbSNP rs2131735810, ClinGen allele CA375359715.

ClinVar aggregate classification (germline): Uncertain significance (1 of 4 stars; one submission).

Conditions:
Hereditary cancer-predisposing syndrome. Also called: Neoplastic Syndromes, Hereditary; Hereditary neoplastic syndrome; Tumor predisposition; Hereditary Cancer Syndrome. Identifiers: Orphanet 140162, MedGen C0027672, MeSH D009386, MONDO:0015356.

Submission:

Ambry Genetics
Classification: Uncertain significance for Hereditary cancer-predisposing syndrome. Last evaluated: 2023-02-20. Review status: criteria provided, single submitter. Criteria: Ambry Variant Classification Scheme 2023. Collection method: clinical testing. Allele origin: germline.
Comment: The p.L764H variant (also known as c.2291T>A), located in coding exon 16 of the TSC1 gene, results from a T to A substitution at nucleotide position 2291. The leucine at codon 764 is replaced by histidine, an amino acid with similar properties. This amino acid position is conserved. In addition, the in silico prediction for this alteration is inconclusive. Since supporting evidence is limited at this time, the clinical significance of this alteration remains unclear.